The following is an entry in ClinVar:

ClinVar aggregate classification (germline): Uncertain significance. Review status: criteria provided, multiple submitters, no conflicts (2 of 4 stars). 2 submissions from 2 submitters: Uncertain significance (2). Last evaluated 2024-10-14.

Conditions:
Neuroblastoma, susceptibility to, 3. Also called: ALK-Related Neuroblastic Tumor Susceptibility. Identifiers: Orphanet 635, MedGen C2751681, MONDO:0013083, OMIM 613014.
Hereditary cancer-predisposing syndrome. Also called: Hereditary Cancer Syndrome; Tumor predisposition; Neoplastic Syndromes, Hereditary; Hereditary neoplastic syndrome. Identifiers: Orphanet 140162, MedGen C0027672, MeSH D009386, MONDO:0015356.

Submissions (2):

Ambry Genetics
Classification: Uncertain significance for Hereditary cancer-predisposing syndrome. Last evaluated: 2024-10-14. Review status: criteria provided, single submitter. Criteria: Ambry Variant Classification Scheme 2023. Collection method: clinical testing. Allele origin: germline.
Comment: The p.M249T variant (also known as c.746T>C), located in coding exon 2 of the ALK gene, results from a T to C substitution at nucleotide position 746. The methionine at codon 249 is replaced by threonine, an amino acid with similar properties. This amino acid position is conserved. In addition, the in silico prediction for this alteration is inconclusive. Based on the available evidence, the clinical significance of this variant remains unclear.

Labcorp Genetics (formerly Invitae), Labcorp
Classification: Uncertain significance for Neuroblastoma, susceptibility to, 3. Last evaluated: 2022-02-19. Review status: criteria provided, single submitter. Criteria: Invitae Variant Classification Sherloc (09022015). Collection method: clinical testing. Allele origin: germline.
Comment: This variant has not been reported in the literature in individuals affected with ALK-related conditions. This variant is not present in population databases (gnomAD no frequency). This sequence change replaces methionine, which is neutral and non-polar, with threonine, which is neutral and polar, at codon 249 of the ALK protein (p.Met249Thr). Algorithms developed to predict the effect of missense changes on protein structure and function are either unavailable or do not agree on the potential impact of this missense change (SIFT: "Deleterious"; PolyPhen-2: "Probably Damaging"; Align-GVGD: "Class C0"). In summary, the available evidence is currently insufficient to determine the role of this variant in disease. Therefore, it has been classified as a Variant of Uncertain Significance.

NM_004304.5(ALK):c.746T>C (p.Met249Thr)

Gene: ALK (ALK receptor tyrosine kinase; minus strand). Cytogenetic location: 2p23.2.
Variant type: single nucleotide variant.
Coding change: c.746T>C on transcript NM_004304.5 (MANE Select); coding-DNA position 746, T replaced by C.
Protein change: p.Met249Thr; replaces methionine 249 with threonine.
Molecular consequence: missense variant.
Genome position (GRCh38, 1-based): chr2:29,717,619, A>G on the plus strand (T>C on the coding strand, the complement: ALK is on the minus strand). VCF-style: chr2-29717619-A-G. GRCh37 (hg19) VCF-style: chr2-29940485-A-G.
Other names: c.746T>C (NM_004304.4); short protein forms M249T.
Identifiers: ClinVar variation 2099364 (VCV002099364.7), dbSNP rs2465432581, ClinGen allele CA346587692.